The following is an entry in ClinVar:

ClinVar aggregate classification (germline): Likely benign. Review status: criteria provided, multiple submitters, no conflicts (2 of 4 stars). 4 submissions from 4 submitters: Likely benign (3). 1 of the submissions does not count toward it. Last evaluated 2026-01-06.

Conditions:
DNAAF2-related disorder. Also called: DNAAF2-related condition.
Primary ciliary dyskinesia. Also called: Ciliary dyskinesia. Identifiers: Orphanet 244, MedGen C0008780, MONDO:0016575, HP:0012265.

Allele frequency attached by ClinVar (database versions not stated): gnomAD exomes 0.00003 and 0.00008; ExAC 0.00009; 1000 Genomes Project 30x 0.00016; 1000 Genomes Project 0.00020; ESP Exome Variant Server 0.00023; gnomAD 0.00033 and 0.00040; TOPMed 0.00037.

Submissions (4):

Labcorp Genetics (formerly Invitae), Labcorp
Classification: Likely benign for Primary ciliary dyskinesia. Last evaluated: 2026-01-06. Review status: criteria provided, single submitter. Criteria: Invitae Variant Classification Sherloc (09022015). Collection method: clinical testing. Allele origin: germline.

Blueprint Genetics
Classification: Likely benign. Last evaluated: 2023-12-14. Review status: criteria provided, single submitter. Criteria: ACMG Guidelines, 2015. Collection method: clinical testing. Allele origin: germline.

Ambry Genetics
Classification: Likely benign for Primary ciliary dyskinesia. Last evaluated: 2023-12-10. Review status: criteria provided, single submitter. Criteria: Ambry Variant Classification Scheme 2023. Collection method: clinical testing. Allele origin: germline.

PreventionGenetics, part of Exact Sciences
Classification: Likely benign for DNAAF2-related condition. Last evaluated: 2021-06-17. Review status: no assertion criteria provided. Collection method: clinical testing. Allele origin: germline. Not counted in ClinVar's aggregate classification.
Comment: This variant is classified as likely benign based on ACMG/AMP sequence variant interpretation guidelines (Richards et al. 2015 PMID: 25741868, with internal and published modifications).

NM_018139.3(DNAAF2):c.1785G>A (p.Val595=)

Gene: DNAAF2 (dynein axonemal assembly factor 2; minus strand). Cytogenetic location: 14q21.3.
Variant type: single nucleotide variant.
Coding change: c.1785G>A on transcript NM_018139.3 (MANE Select); coding-DNA position 1785, G replaced by A.
Protein change: p.Val595=; no amino-acid change (valine 595 retained).
Molecular consequence: synonymous variant. On other transcripts: intron variant (1).
Genome position (GRCh38, 1-based): chr14:49,633,365, C>T on the plus strand (G>A on the coding strand, the complement: DNAAF2 is on the minus strand). VCF-style: chr14-49633365-C-T. GRCh37 (hg19) VCF-style: chr14-50100083-C-T.
Other names: c.1785G>A (NM_018139.2); c.1785G>A, p.Val595= (NM_001083908.2); c.-205+118G>A (NM_001378453.1).
Identifiers: ClinVar variation 1661635 (VCV001661635.12), dbSNP rs141689467, ClinGen allele CA7172827.